The following is an entry in ClinVar:

NM_006852.6(TLK2):c.968+1G>T

Genes: TLK2 (tousled like kinase 2; plus strand), LOC126862611 (CDK7 strongly-dependent group 2 enhancer GRCh37_chr17:60642433-60643632; plus strand). Cytogenetic location: 17q23.2.
Variant type: single nucleotide variant.
Coding change: c.968+1G>T on transcript NM_006852.6 (MANE Select); the canonical splice donor site of the intron after coding-DNA position 968, G replaced by T.
Molecular consequence: splice donor variant.
Genome position (GRCh38, 1-based): chr17:62,565,138, G>T. VCF-style: chr17-62565138-G-T. GRCh37 (hg19) VCF-style: chr17-60642499-G-T.
Other names: c.968+1G>T (NM_001375271.1, NM_001375270.1, NM_001284333.3); c.521+1G>T (NM_001375273.1, NM_001330418.3); c.872+1G>T (NM_001375272.1, NM_001284363.1); c.683+1G>T (NM_001411074.1); c.1010+1G>T (NM_001375269.1).
Identifiers: ClinVar variation 2444583 (VCV002444583.1), dbSNP rs1598620094, ClinGen allele CA400499967.

ClinVar aggregate classification (germline): Pathogenic (1 of 4 stars; one submission).

Submission:

GeneDx
Classification: Pathogenic. Last evaluated: 2023-03-16. Review status: criteria provided, single submitter. Criteria: GeneDx Variant Classification Process June 2021. Collection method: clinical testing. Allele origin: germline. Affected: yes.
Comment: Canonical splice site variant predicted to result in a null allele in a gene for which loss of function is a known mechanism of disease; Not observed at significant frequency in large population cohorts (gnomAD); Has not been previously published as pathogenic or benign to our knowledge